The following is an entry in ClinVar:

NM_000302.4(PLOD1):c.302+5G>C

Gene: PLOD1 (procollagen-lysine,2-oxoglutarate 5-dioxygenase 1; plus strand). Cytogenetic location: 1p36.22.
Variant type: single nucleotide variant.
Coding change: c.302+5G>C on transcript NM_000302.4 (MANE Select); 5 bases into the intron after coding-DNA position 302, G replaced by C.
Molecular consequence: intron variant.
Genome position (GRCh38, 1-based): chr1:11,949,911, G>C. VCF-style: chr1-11949911-G-C. GRCh37 (hg19) VCF-style: chr1-12009968-G-C.
Other names: c.443+5G>C (NM_001316320.2).
Identifiers: ClinVar variation 960084 (VCV000960084.3), dbSNP rs749607584, ClinGen allele CA521199466.
Genomic context (GRCh38, chr1:11,949,911, plus strand): 5'-AAAGCTCTGGAGAAGCACGCAGACAAGGAGGATCTGGTCATTCTCTTCGCAGACAGGTAG[G>C]TGGGTCAGGGCTTCCTAGCCTGGGCCCCTCCGCGGAAGATAGAAGAATATTCTAAAATGA-3'

ClinVar aggregate classification (germline): Uncertain significance (1 of 4 stars; one submission).

Conditions:
Ehlers-Danlos syndrome, kyphoscoliotic type 1 (EDSKSCL1). Also called: Ehlers-Danlos syndrome, hydroxylysine-deficient; PLOD1-Related Kyphoscoliotic Ehlers-Danlos Syndrome; EHLERS-DANLOS SYNDROME, OCULAR-SCOLIOTIC TYPE; EHLERS-DANLOS SYNDROME, TYPE VIA. Identifiers: Orphanet 1900, MedGen C0268342, MONDO:0016002, OMIM 225400. Disease mechanism: loss of function.

Allele frequency attached by ClinVar (database versions not stated): TOPMed 0.00001.
gnomAD v4.1: 4 of 1,613,950 alleles (0.00025%); highest among the groups gnomAD compares: African/African-American, 0.004%; no homozygotes.

Submission:

Labcorp Genetics (formerly Invitae), Labcorp
Classification: Uncertain significance for Ehlers-Danlos syndrome, kyphoscoliotic type 1. Last evaluated: 2019-09-30. Review status: criteria provided, single submitter. Criteria: Invitae Variant Classification Sherloc (09022015). Collection method: clinical testing. Allele origin: germline.
Comment: This sequence change falls in intron 3 of the PLOD1 gene. It does not directly change the encoded amino acid sequence of the PLOD1 protein, but it affects a nucleotide within the consensus splice site of the intron. This variant is not present in population databases (ExAC no frequency). This variant has not been reported in the literature in individuals with PLOD1-related conditions. Nucleotide substitutions within the consensus splice site are a relatively common cause of aberrant splicing (PMID: 17576681, 9536098). Algorithms developed to predict the effect of sequence changes on RNA splicing suggest that this variant may disrupt the consensus splice site, but this prediction has not been confirmed by published transcriptional studies. In summary, the available evidence is currently insufficient to determine the role of this variant in disease. Therefore, it has been classified as a Variant of Uncertain Significance.

Literature cited by the submitters: PubMed 17576681; PubMed 9536098.